The following is an entry in ClinVar:

NM_006767.4(LZTR1):c.1347G>A (p.Leu449=)

Gene: LZTR1 (leucine zipper like post translational regulator 1; plus strand). Cytogenetic location: 22q11.21.
Variant type: single nucleotide variant.
Coding change: c.1347G>A on transcript NM_006767.4 (MANE Select); coding-DNA position 1347, G replaced by A.
Protein change: p.Leu449=; no amino-acid change (leucine 449 retained).
Molecular consequence: synonymous variant.
Genome position (GRCh38, 1-based): chr22:20,993,748, G>A. VCF-style: chr22-20993748-G-A. GRCh37 (hg19) VCF-style: chr22-21348037-G-A.
Other names: c.1347G>A (NM_006767.3).
Identifiers: ClinVar variation 2732359 (VCV002732359.4), dbSNP rs1924689522, ClinGen allele CA513458861.

ClinVar aggregate classification (germline): Conflicting classifications of pathogenicity. Review status: criteria provided, conflicting classifications (1 of 4 stars). 2 submissions from 2 submitters: Uncertain significance (1); Likely benign (1). Last evaluated 2024-08-23.

Conditions:
Cardiovascular phenotype. Identifiers: MedGen CN230736.
Hereditary cancer-predisposing syndrome. Also called: Hereditary Cancer Syndrome; Tumor predisposition; Neoplastic Syndromes, Hereditary; Hereditary neoplastic syndrome. Identifiers: Orphanet 140162, MedGen C0027672, MeSH D009386, MONDO:0015356.

Allele frequency attached by ClinVar (database versions not stated): gnomAD exomes below 0.00001; TOPMed below 0.00001.
gnomAD v4.1: 2 of 1,612,436 alleles (0.00012%); highest among the groups gnomAD compares: South Asian, 0.0022%; no homozygotes.

Submissions (2):

Ambry Genetics
Classification: Uncertain significance for Cardiovascular phenotype; Hereditary cancer-predisposing syndrome. Last evaluated: 2024-08-23. Review status: criteria provided, single submitter. Criteria: Ambry Variant Classification Scheme 2023. Collection method: clinical testing. Allele origin: germline.
Comment: The c.1347G>A variant (also known as p.L449L), located in coding exon 12 of the LZTR1 gene, results from a G to A substitution at nucleotide position 1347. This nucleotide substitution does not change the leucine at codon 449. This nucleotide position is poorly conserved in available vertebrate species. In silico splice site analysis for this alteration is inconclusive. Based on the available evidence, the clinical significance of this variant remains unclear.

Labcorp Genetics (formerly Invitae), Labcorp
Classification: Likely benign. Last evaluated: 2024-03-17. Review status: criteria provided, single submitter. Criteria: Invitae Variant Classification Sherloc (09022015). Collection method: clinical testing. Allele origin: germline.